The following is an entry in ClinVar:

NC_000001.11:g.(?_100007014)_(100011553_?)del

Gene: SLC35A3 (solute carrier family 35 member A3; plus strand). Cytogenetic location: 1p21.2.
Variant type: Deletion.
Identifiers: ClinVar variation 583744 (VCV000583744.2).

ClinVar aggregate classification (germline): Pathogenic (1 of 4 stars; one submission).

Conditions:
Autism spectrum disorder - epilepsy - arthrogryposis syndrome (AMRS). Identifiers: Orphanet 370943, MedGen C3809910, MONDO:0014248, OMIM 615553.

Submission:

Labcorp Genetics (formerly Invitae), Labcorp
Classification: Pathogenic for Arthrogryposis, mental retardation, and seizures. Last evaluated: 2018-08-12. Review status: criteria provided, single submitter. Criteria: Invitae Variant Classification Sherloc (09022015). Collection method: clinical testing. Allele origin: germline.
Comment: This variant is an out-of-frame deletion of the genomic region encompassing exons 4-5 of the SLC35A3 gene. This is expected to create a premature translational stop signal and result in an absent or disrupted protein product. This variant has not been reported in the literature in individuals with SLC35A3-related disease. Loss-of-function variants in SLC35A3 are known to be pathogenic (PMID: 24031089, 28328131). For these reasons, this variant has been classified as Pathogenic.